The following is an entry in ClinVar:

NM_012463.4(ATP6V0A2):c.432+14C>T

Gene: ATP6V0A2 (ATPase H+ transporting V0 subunit a2; plus strand). Cytogenetic location: 12q24.31.
Variant type: single nucleotide variant.
Coding change: c.432+14C>T on transcript NM_012463.4 (MANE Select); 14 bases into the intron after coding-DNA position 432, C replaced by T.
Molecular consequence: intron variant.
Genome position (GRCh38, 1-based): chr12:123,724,805, C>T. VCF-style: chr12-123724805-C-T. GRCh37 (hg19) VCF-style: chr12-124209352-C-T.
Other names: p.?.
Identifiers: ClinVar variation 95524 (VCV000095524.27), dbSNP rs11837144, ClinGen allele CA148598.

ClinVar aggregate classification (germline): Benign. Review status: criteria provided, multiple submitters, no conflicts (2 of 4 stars). 13 submissions from 12 submitters: Benign (11). 2 of the submissions do not count toward it. Last evaluated 2026-02-04.

Conditions:
ALG9 congenital disorder of glycosylation (CDG1L). Also called: CONGENITAL DISORDER OF GLYCOSYLATION, TYPE Il; ALG9-CDG; CDG Il. Identifiers: Orphanet 79328, MedGen C2931006, MONDO:0012117, OMIM 608776.
Wrinkly skin syndrome (WSS). Also called: Type of Gerodermia osteodysplastica. Identifiers: Orphanet 2834, MedGen C0406587, MONDO:0010208, OMIM 278250.
Cutis laxa with osteodystrophy (ARCL2A). Also called: Debré-Type Cutis Laxa; CUTIS LAXA WITH CONGENITAL DISORDER OF GLYCOSYLATION; CUTIS LAXA, AUTOSOMAL RECESSIVE, TYPE IIA; CUTIS LAXA WITH BONE DYSTROPHY; CUTIS LAXA WITH GROWTH AND DEVELOPMENTAL DELAY; CUTIS LAXA WITH JOINT LAXITY AND RETARDED DEVELOPMENT. Identifiers: Orphanet 357058, MedGen C0268355, MONDO:0018163, OMIM 219200. Disease mechanism: loss of function.

Allele frequency attached by ClinVar (database versions not stated): ESP Exome Variant Server 0.63986; gnomAD 0.65907 and 0.66455; TOPMed 0.67275; ExAC 0.67563; gnomAD exomes 0.68247 and 0.63280; 1000 Genomes Project 30x 0.74641; 1000 Genomes Project 0.74980.
gnomAD v4.1: 1,022,480 of 1,606,302 alleles (64%); highest among the groups gnomAD compares: East Asian, 95%; 330,060 homozygotes.

Submissions (13):

Labcorp Genetics (formerly Invitae), Labcorp
Classification: Benign for ALG9 congenital disorder of glycosylation. Last evaluated: 2026-02-04. Review status: criteria provided, single submitter. Criteria: Invitae Variant Classification Sherloc (09022015). Collection method: clinical testing. Allele origin: germline.

Women's Health and Genetics/Laboratory Corporation of America, LabCorp
Classification: Benign. Last evaluated: 2026-01-08. Review status: criteria provided, single submitter. Criteria: LabCorp Variant Classification Summary - May 2015. Collection method: clinical testing. Allele origin: germline.

Blueprint Genetics
Classification: Benign. Last evaluated: 2024-11-27. Review status: criteria provided, single submitter. Criteria: ACMG Guidelines, 2015. Collection method: clinical testing. Allele origin: germline.

Genome-Nilou Lab
Classification: Benign for Cutis laxa with osteodystrophy. Last evaluated: 2021-07-14. Review status: criteria provided, single submitter. Criteria: ACMG Guidelines, 2015. Collection method: clinical testing. Allele origin: germline. Affected: no.

Genome-Nilou Lab
Classification: Benign for Wrinkly skin syndrome. Last evaluated: 2021-07-14. Review status: criteria provided, single submitter. Criteria: ACMG Guidelines, 2015. Collection method: clinical testing. Allele origin: germline. Affected: no.

Illumina Laboratory Services, Illumina
Classification: Benign for Cutis laxa with osteodystrophy. Last evaluated: 2018-01-12. Review status: criteria provided, single submitter. Criteria: ICSL Variant Classification Criteria 13 December 2019. Collection method: clinical testing. Allele origin: germline.
Comment: This variant was observed in the ICSL laboratory as part of a predisposition screen in an ostensibly healthy population. It had not been previously curated by ICSL or reported in the Human Gene Mutation Database (HGMD: prior to June 1st, 2018), and was therefore a candidate for classification through an automated scoring system. Utilizing variant allele frequency, disease prevalence and penetrance estimates, and inheritance mode, an automated score was calculated to assess if this variant is too frequent to cause the disease. Based on the score and internal cut-off values, a variant classified as benign is not then subjected to further curation. The score for this variant resulted in a classification of benign for this disease.

Mayo Clinic Laboratories, Mayo Clinic
Classification: Benign. Last evaluated: 2017-12-21. Review status: criteria provided, single submitter. Criteria: ACMG Guidelines, 2015. Collection method: clinical testing. Allele origin: germline. Observed: 40 variant alleles.

GeneDx
Classification: Benign. Last evaluated: 2016-01-11. Review status: criteria provided, single submitter. Criteria: GeneDx Variant Classification (06012015). Collection method: clinical testing. Allele origin: germline. Affected: yes.
Comment: This variant is considered likely benign or benign based on one or more of the following criteria: it is a conservative change, it occurs at a poorly conserved position in the protein, it is predicted to be benign by multiple in silico algorithms, and/or has population frequency not consistent with disease.

Eurofins Ntd Llc (ga)
Classification: Benign. Last evaluated: 2015-07-20. Review status: criteria provided, single submitter. Criteria: EGL Classification Definitions 2015. Collection method: clinical testing. Allele origin: germline. Observed: 64 variant alleles, 36 heterozygotes, 28 homozygotes.

Breakthrough Genomics
Classification: Benign. Review status: criteria provided, single submitter. Criteria: ACMG Guidelines, 2015. Collection method: not provided. Allele origin: germline. Inheritance: Autosomal recessive inheritance. Affected: yes.

PreventionGenetics, part of Exact Sciences
Classification: Benign. Review status: criteria provided, single submitter. Criteria: ACMG Guidelines, 2015. Collection method: clinical testing. Allele origin: germline.

Clinical Genetics DNA and cytogenetics Diagnostics Lab, Erasmus MC, Erasmus Medical Center
Classification: Benign. Review status: no assertion criteria provided. Collection method: clinical testing. Allele origin: germline. Affected: yes. Study: VKGL Data-share Consensus. Not counted in ClinVar's aggregate classification.

Joint Genome Diagnostic Labs from Nijmegen and Maastricht, Radboudumc and MUMC+
Classification: Benign. Review status: no assertion criteria provided. Collection method: clinical testing. Allele origin: germline. Affected: yes. Study: VKGL Data-share Consensus. Not counted in ClinVar's aggregate classification.